The following is an entry in ClinVar:

ClinVar aggregate classification (germline): Uncertain significance (1 of 4 stars; one submission).

gnomAD v4.1: 2 of 1,608,920 alleles (0.00012%); highest among the groups gnomAD compares: Non-Finnish European, 0.00017%; no homozygotes.

Submission:

Labcorp Genetics (formerly Invitae), Labcorp
Classification: Uncertain significance. Last evaluated: 2023-01-14. Review status: criteria provided, single submitter. Criteria: Invitae Variant Classification Sherloc (09022015). Collection method: clinical testing. Allele origin: germline.
Comment: In summary, the available evidence is currently insufficient to determine the role of this variant in disease. Therefore, it has been classified as a Variant of Uncertain Significance. Variants that disrupt the consensus splice site are a relatively common cause of aberrant splicing (PMID: 17576681, 9536098). Algorithms developed to predict the effect of sequence changes on RNA splicing suggest that this variant may disrupt the consensus splice site. This variant has not been reported in the literature in individuals affected with SORL1-related conditions. This variant is present in population databases (no rsID available, gnomAD 0.003%). This sequence change falls in intron 35 of the SORL1 gene. It does not directly change the encoded amino acid sequence of the SORL1 protein. It affects a nucleotide within the consensus splice site.

Literature cited by the submitters: PubMed 17576681; PubMed 9536098.

NM_003105.6(SORL1):c.4948+5G>A

Gene: SORL1 (sortilin related receptor 1; plus strand). Cytogenetic location: 11q24.1.
Variant type: single nucleotide variant.
Coding change: c.4948+5G>A on transcript NM_003105.6 (MANE Select); 5 bases into the intron after coding-DNA position 4948, G replaced by A.
Molecular consequence: intron variant.
Genome position (GRCh38, 1-based): chr11:121,605,576, G>A. VCF-style: chr11-121605576-G-A. GRCh37 (hg19) VCF-style: chr11-121476285-G-A.
Identifiers: ClinVar variation 3006645 (VCV003006645.3), dbSNP rs762135704, ClinGen allele CA602580613.
Genomic context (GRCh38, chr11:121,605,576, plus strand): 5'-TCTCAGCAAGGCACACAACACCAATGACTTTGTGACCCTGAGGACCCCAGAGGGATGTAA[G>A]TGTTTCAGTTAATTTTTATGGCATGGGTAAGACCTCAGGTCGGGGTTTGTGAGGGTCTTT-3'